The following is an entry in ClinVar:

ClinVar aggregate classification (germline): Uncertain significance (1 of 4 stars; one submission).

Allele frequency attached by ClinVar (database versions not stated): gnomAD exomes below 0.00001; TOPMed below 0.00001; ExAC 0.00001; gnomAD 0.00001.
gnomAD v4.1: 6 of 1,469,494 alleles (0.00041%); highest among the groups gnomAD compares: Middle Eastern, 0.018%; no homozygotes.

Submission:

Ambry Genetics
Classification: Uncertain significance. Last evaluated: 2024-01-31. Review status: criteria provided, single submitter. Criteria: Ambry Variant Classification Scheme 2023. Collection method: clinical testing. Allele origin: germline.
Comment: The p.P312S variant (also known as c.934C>T), located in coding exon 9 of the BUB1 gene, results from a C to T substitution at nucleotide position 934. The proline at codon 312 is replaced by serine, an amino acid with similar properties. This amino acid position is conserved. In addition, this alteration is predicted to be tolerated by in silico analysis. Based on the available evidence, the clinical significance of this alteration remains unclear.

NM_004336.5(BUB1):c.934C>T (p.Pro312Ser)

Gene: BUB1 (BUB1 mitotic checkpoint serine/threonine kinase; minus strand). Cytogenetic location: 2q13.
Variant type: single nucleotide variant.
Coding change: c.934C>T on transcript NM_004336.5 (MANE Select); coding-DNA position 934, C replaced by T.
Protein change: p.Pro312Ser; replaces proline 312 with serine.
Molecular consequence: missense variant.
Genome position (GRCh38, 1-based): chr2:110,666,286, G>A on the plus strand (C>T on the coding strand, the complement: BUB1 is on the minus strand). VCF-style: chr2-110666286-G-A. GRCh37 (hg19) VCF-style: chr2-111423863-G-A.
Other names: c.934C>T, p.Pro312Ser (NM_001278617.2); c.874C>T, p.Pro292Ser (NM_001278616.2); short protein forms P292S, P312S.
Identifiers: ClinVar variation 3224134 (VCV003224134.1), dbSNP rs749739614, ClinGen allele CA1828212.
Genomic context (GRCh38, chr2:110,666,286, plus strand): 5'-GCTGGGCACAGGATGTGTCATGAGGAGCACAACATACCTCGGACCTTTCCTGGGAAGCGG[G>A]CAGATCCTCATGGGATGTCTCCACCACCTGATGCAACTTCTTATGAAGTTCATCCATTTT-3'
Protein context (NP_004327.1, residues 302-322): QVVETSHEDL[Pro312Ser]ASQERSEVNP